The following is an entry in ClinVar:

NM_000075.4(CDK4):c.35T>C (p.Ile12Thr)

Gene: CDK4 (cyclin dependent kinase 4; minus strand). Cytogenetic location: 12q14.1.
Variant type: single nucleotide variant.
Coding change: c.35T>C on transcript NM_000075.4 (MANE Select); coding-DNA position 35, T replaced by C.
Protein change: p.Ile12Thr; replaces isoleucine 12 with threonine.
Molecular consequence: missense variant.
Genome position (GRCh38, 1-based): chr12:57,751,683, A>G on the plus strand (T>C on the coding strand, the complement: CDK4 is on the minus strand). VCF-style: chr12-57751683-A-G. GRCh37 (hg19) VCF-style: chr12-58145466-A-G.
Other names: short protein forms I12T.
Identifiers: ClinVar variation 2858504 (VCV002858504.3), dbSNP rs2140388721, ClinGen allele CA385549150.

ClinVar aggregate classification (germline): Uncertain significance (1 of 4 stars; one submission).

Conditions:
Familial melanoma. Also called: Hereditary melanoma; Hereditary cutaneous melanoma. Identifiers: Orphanet 618, MedGen C1512419, MONDO:0018961.

Submission:

Labcorp Genetics (formerly Invitae), Labcorp
Classification: Uncertain significance for Familial melanoma. Last evaluated: 2023-04-23. Review status: criteria provided, single submitter. Criteria: Invitae Variant Classification Sherloc (09022015). Collection method: clinical testing. Allele origin: germline.
Comment: In summary, the available evidence is currently insufficient to determine the role of this variant in disease. Therefore, it has been classified as a Variant of Uncertain Significance. Advanced modeling of protein sequence and biophysical properties (such as structural, functional, and spatial information, amino acid conservation, physicochemical variation, residue mobility, and thermodynamic stability) performed at Invitae indicates that this missense variant is expected to disrupt CDK4 protein function. This variant has not been reported in the literature in individuals affected with CDK4-related conditions. This variant is not present in population databases (gnomAD no frequency). This sequence change replaces isoleucine, which is neutral and non-polar, with threonine, which is neutral and polar, at codon 12 of the CDK4 protein (p.Ile12Thr).